The following is an entry in ClinVar:

NM_000497.4(CYP11B1):c.608_650del (p.Ala203fs)

Genes: CYP11B1 (cytochrome P450 family 11 subfamily B member 1; minus strand), LOC106799833 (CYP11B1 recombination region; plus strand). Cytogenetic location: 8q24.3.
Variant type: Deletion.
Coding change: c.608_650del on transcript NM_000497.4 (MANE Select); coding-DNA positions 608 to 650, 43 bases deleted.
Protein change: p.Ala203fs; shifts the reading frame from alanine 203.
Molecular consequence: frameshift variant.
Genome position (GRCh38, 1-based): chr8:142,876,831-142,876,873, 43 bases deleted; deleting any 43 consecutive bases within chr8:142,876,831-142,876,874 gives the same sequence; the c. name uses the placement nearest the transcript's 3' end. GRCh37 (hg19): chr8:143,958,248-143,958,290.
Other names: c.608_650del, p.Ala203fs (NM_001026213.1); short protein forms A203fs.
Identifiers: ClinVar variation 3764095 (VCV003764095.2).
Genomic context (GRCh38, chr8:142,876,830, plus strand): 5'-GAGCTGGACGGTGGATTTGAACATGACCTCCAGGGCATGGAGGAAGTTCAGGCTGGCAGA[ACTGGGGCTGTGGCCAACCAGGCCCAGCCGCTCTCCAAAAAGAG>A]CCAAGTTGCTGGCTGCGGGGAGGATGCACTGCTGAGCACAAGGCAGCCCCGGGCCTCCTG-3'

ClinVar aggregate classification (germline): Likely pathogenic (1 of 4 stars; one submission).

Conditions:
Deficiency of steroid 11-beta-monooxygenase (CYP11B1). Also called: P450C11B1 DEFICIENCY; ADRENAL HYPERPLASIA, CONGENITAL, DUE TO STEROID 11-BETA-HYDROXYLASE DEFICIENCY; 11-BETA-HYDROXYLASE DEFICIENCY; STEROID 11-BETA-HYDROXYLASE DEFICIENCY; Congenital adrenal hyperplasia due to 11-beta-hydroxylase deficiency; ADRENAL HYPERPLASIA IV. Identifiers: Orphanet 90795, MedGen C0268292, MONDO:0008729, OMIM 202010. Disease mechanism: loss of function.

Submission:

Department of Obstetrics and Gynecology, Sichuan Jinxin Women and Children's Hospital
Classification: Likely pathogenic for Deficiency of steroid 11-beta-monooxygenase. Review status: criteria provided, single submitter. Criteria: ACMG Guidelines, 2015. Collection method: clinical testing. Allele origin: biparental. Inheritance: Autosomal recessive inheritance. Affected: yes. Observed: 1 compound heterozygote.
Comment: The c.608_650del variant in CYP11B1 led to early termination of translation and a shortened peptide chain(PVS1). The Genome Aggregation Database did not provide information on the approximate frequency of the variant in different populations(PM2_Supporting). In summary, the c.61del variant meets our criteria to be classified as likely pathogenic.

Literature cited by the submitters: PubMed 18294861; PubMed 30223866.